The following is an entry in ClinVar:

NM_000238.4(KCNH2):c.3292A>C (p.Ser1098Arg)

Gene: KCNH2 (potassium voltage-gated channel subfamily H member 2; minus strand). Cytogenetic location: 7q36.1.
Variant type: single nucleotide variant.
Coding change: c.3292A>C on transcript NM_000238.4 (MANE Select); coding-DNA position 3292, A replaced by C.
Protein change: p.Ser1098Arg; replaces serine 1098 with arginine.
Molecular consequence: missense variant.
Genome position (GRCh38, 1-based): chr7:150,946,915, T>G on the plus strand (A>C on the coding strand, the complement: KCNH2 is on the minus strand). VCF-style: chr7-150946915-T-G. GRCh37 (hg19) VCF-style: chr7-150644003-T-G.
Other names: c.2272A>C, p.Ser758Arg (NM_172057.3); short protein forms S1098R, S758R.
Identifiers: ClinVar variation 966117 (VCV000966117.9), dbSNP rs1800911203, ClinGen allele CA369852000.

ClinVar aggregate classification (germline): Uncertain significance (1 of 4 stars; one submission).

Conditions:
Long QT syndrome (LQTS). Identifiers: MedGen C0023976, MeSH D008133, MONDO:0002442. Disease mechanism: loss of function. Inheritance: Various modes of inheritance.

Submission:

Labcorp Genetics (formerly Invitae), Labcorp
Classification: Uncertain significance for Long QT syndrome. Last evaluated: 2019-11-12. Review status: criteria provided, single submitter. Criteria: Invitae Variant Classification Sherloc (09022015). Collection method: clinical testing. Allele origin: germline.
Comment: In summary, the available evidence is currently insufficient to determine the role of this variant in disease. Therefore, it has been classified as a Variant of Uncertain Significance. Algorithms developed to predict the effect of missense changes on protein structure and function (SIFT, PolyPhen-2, Align-GVGD) all suggest that this variant is likely to be tolerated, but these predictions have not been confirmed by published functional studies and their clinical significance is uncertain. This variant has not been reported in the literature in individuals with KCNH2-related conditions. This variant is not present in population databases (ExAC no frequency). This sequence change replaces serine with arginine at codon 1098 of the KCNH2 protein (p.Ser1098Arg). The serine residue is weakly conserved and there is a moderate physicochemical difference between serine and arginine.